The following is an entry in ClinVar:

NM_002335.4(LRP5):c.4754C>T (p.Ser1585Leu)

Gene: LRP5 (LDL receptor related protein 5; plus strand). Cytogenetic location: 11q13.2.
Variant type: single nucleotide variant.
Coding change: c.4754C>T on transcript NM_002335.4 (MANE Select); coding-DNA position 4754, C replaced by T.
Protein change: p.Ser1585Leu; replaces serine 1585 with leucine.
Molecular consequence: missense variant.
Genome position (GRCh38, 1-based): chr11:68,448,976, C>T. VCF-style: chr11-68448976-C-T. GRCh37 (hg19) VCF-style: chr11-68216444-C-T.
Other names: c.3011C>T, p.Ser1004Leu (NM_001291902.2); short protein forms S1585L, S1004L.
Identifiers: ClinVar variation 954511 (VCV000954511.11), dbSNP rs377323023, ClinGen allele CA6150499.

ClinVar aggregate classification (germline): Uncertain significance. Review status: criteria provided, multiple submitters, no conflicts (2 of 4 stars). 3 submissions from 3 submitters: Uncertain significance (3). Last evaluated 2025-12-31.

Conditions:
LRP5-related disorder. Also called: LRP5-related condition.
Osteoporosis. Identifiers: MedGen C0029456, MONDO:0005298, OMIM 166710, HP:0000939.
Autosomal dominant osteopetrosis 1 (OPTA1). Also called: OSTEOPETROSIS, AUTOSOMAL DOMINANT, TYPE I. Identifiers: Orphanet 2783, MedGen C1843330, MONDO:0011877, OMIM 607634.
Worth disease. Also called: ENDOSTEAL HYPEROSTOSIS, AUTOSOMAL DOMINANT; OSTEOSCLEROSIS, AUTOSOMAL DOMINANT; Autosomal dominant osteosclerosis, Worth type. Identifiers: Orphanet 2790, MedGen C0432273, MONDO:0007764, OMIM 144750.
Polycystic liver disease 4 with or without kidney cysts. Identifiers: MedGen C4693479, MONDO:0044327, OMIM 617875.
Exudative vitreoretinopathy 4 (EVR4). Identifiers: Orphanet 891, MedGen C1866176, MONDO:0011151, OMIM 601813.
Osteoporosis with pseudoglioma (OPPG). Also called: osteoporosis-pseudoglioma syndrome. Identifiers: Orphanet 2788, MedGen C0432252, MONDO:0009820, OMIM 259770.
Exudative vitreoretinopathy 1 (EVR1). Also called: CRISWICK-SCHEPENS SYNDROME; FEVR, AUTOSOMAL DOMINANT; Familial exudative vitreoretinopathy, autosomal dominant. Identifiers: Orphanet 891, Orphanet 90050, MedGen C1851402, MONDO:0007589, OMIM 133780.
Bone mineral density quantitative trait locus 1 (BMND1). Identifiers: MedGen C1866079, OMIM 601884.

Allele frequency attached by ClinVar (database versions not stated): ExAC 0.00003; gnomAD exomes 0.00004; TOPMed 0.00004; gnomAD 0.00005 and 0.00006; ESP Exome Variant Server 0.00008.
gnomAD v4.1: 56 of 1,611,022 alleles (0.0035%); highest among the groups gnomAD compares: South Asian, 0.0088%; no homozygotes.

Submissions (3):

PreventionGenetics, part of Exact Sciences
Classification: Uncertain significance for LRP5-related condition. Last evaluated: 2025-12-31. Review status: criteria provided, single submitter. Criteria: ACMG Guidelines, 2015. Collection method: clinical testing. Allele origin: germline.
Comment: The LRP5 c.4754C>T variant is predicted to result in the amino acid substitution p.Ser1585Leu. This variant was reported in the heterozygous state in an individual with impaired bone mass (Rocca et al. 2021. PubMed ID: 34639175). This variant is reported in 0.0065% of alleles in individuals of South Asian descent in gnomAD. At this time, the clinical significance of this variant is uncertain due to the absence of conclusive functional and genetic evidence.

Labcorp Genetics (formerly Invitae), Labcorp
Classification: Uncertain significance. Last evaluated: 2025-07-29. Review status: criteria provided, single submitter. Criteria: Invitae Variant Classification Sherloc (09022015). Collection method: clinical testing. Allele origin: germline.
Comment: This sequence change replaces serine, which is neutral and polar, with leucine, which is neutral and non-polar, at codon 1585 of the LRP5 protein (p.Ser1585Leu). This variant is present in population databases (rs377323023, gnomAD 0.006%). This variant has not been reported in the literature in individuals affected with LRP5-related conditions. ClinVar contains an entry for this variant (Variation ID: 954511). Invitae Evidence Modeling of protein sequence and biophysical properties (such as structural, functional, and spatial information, amino acid conservation, physicochemical variation, residue mobility, and thermodynamic stability) indicates that this missense variant is not expected to disrupt LRP5 protein function with a negative predictive value of 95%. In summary, the available evidence is currently insufficient to determine the role of this variant in disease. Therefore, it has been classified as a Variant of Uncertain Significance.

Fulgent Genetics
Classification: Uncertain significance for Exudative vitreoretinopathy 1; Worth disease; Osteoporosis; Osteoporosis with pseudoglioma; Exudative vitreoretinopathy 4; Bone mineral density quantitative trait locus 1; Autosomal dominant osteopetrosis 1; Polycystic liver disease 4 with or without kidney cysts. Last evaluated: 2022-03-24. Review status: criteria provided, single submitter. Criteria: ACMG Guidelines, 2015. Collection method: clinical testing. Allele origin: unknown.